The following is an entry in ClinVar:

NM_000051.4(ATM):c.6411_6412del (p.Asp2137fs)

Genes: ATM (ATM serine/threonine kinase; plus strand), C11orf65 (chromosome 11 open reading frame 65; minus strand). Cytogenetic location: 11q22.3.
Variant type: Deletion.
Coding change: c.6411_6412del on transcript NM_000051.4 (MANE Select); coding-DNA positions 6411 to 6412, 2 bases deleted (CA; older notation c.6411_6412delCA).
Protein change: p.Asp2137fs; shifts the reading frame from aspartic acid 2137.
Molecular consequence: frameshift variant. On other transcripts: intron variant (2).
Genome position (GRCh38, 1-based): chr11:108,320,017-108,320,018, CA deleted; deleting any 2 consecutive bases within chr11:108,320,016-108,320,018 gives the same sequence; the c. name uses the placement nearest the transcript's 3' end. VCF-style (leftmost placement, unchanged base first): chr11-108320015-GAC-G. GRCh37 (hg19) VCF-style: chr11-108190742-GAC-G.
Other names: c.6411_6412del, p.Asp2137fs (NM_001351834.2); c.641-10946_641-10945del (NM_001330368.2); c.*39-10946_*39-10945del (NM_001351110.2); short protein forms D2137fs.
Identifiers: ClinVar variation 4720741 (VCV004720741.2).
Genomic context (GRCh38, chr11:108,320,015, plus strand): 5'-AAAGAAGTAGAAGGAACCAGTTACCATGAATCATTGTACAATGCTCTACAATCTCTAAGA[GAC>G]AGAGAATTCTCTACATTTTATGAAAGTCTCAAATATGCCAGGTATTATGAAAAGACAAAG-3'

ClinVar aggregate classification (germline): Pathogenic. Review status: criteria provided, multiple submitters, no conflicts (2 of 4 stars). 2 submissions from 2 submitters: Pathogenic (2). Last evaluated 2026-08-24.

Conditions:
Ataxia-telangiectasia syndrome (AT). Also called: Ataxia-telangiectasia, complementation group D; AT, COMPLEMENTATION GROUP C; ATAXIA-TELANGIECTASIA, COMPLEMENTATION GROUP A; ATAXIA-TELANGIECTASIA, FRESNO VARIANT; Ataxia-telangiectasia; Ataxia-telangiectasia, complementation group E. Identifiers: Orphanet 100, MedGen C0004135, MONDO:0008840, OMIM 208900.
Hereditary cancer-predisposing syndrome. Also called: Hereditary Cancer Syndrome; Neoplastic Syndromes, Hereditary; Tumor predisposition; Hereditary neoplastic syndrome. Identifiers: Orphanet 140162, MedGen C0027672, MeSH D009386, MONDO:0015356.

Submissions (2):

Ambry Genetics
Classification: Pathogenic for Hereditary cancer-predisposing syndrome. Last evaluated: 2026-08-24. Review status: criteria provided, single submitter. Criteria: Ambry Variant Classification Scheme 2023. Collection method: clinical testing. Allele origin: germline.
Comment: The c.6411_6412delCA pathogenic mutation, located in coding exon 43 of the ATM gene, results from a deletion of two nucleotides at nucleotide positions 6411 to 6412, causing a translational frameshift with a predicted alternate stop codon (p.D2137Efs*8). This variant is considered to be rare based on population cohorts in the Genome Aggregation Database (gnomAD). This alteration is expected to result in loss of function by premature protein truncation or nonsense-mediated mRNA decay. As such, this alteration is interpreted as a disease-causing mutation.

Labcorp Genetics (formerly Invitae), Labcorp
Classification: Pathogenic for Ataxia-telangiectasia syndrome. Last evaluated: 2025-06-04. Review status: criteria provided, single submitter. Criteria: Invitae Variant Classification Sherloc (09022015). Collection method: clinical testing. Allele origin: germline.
Comment: This sequence change creates a premature translational stop signal (p.Asp2137Glufs*8) in the ATM gene. It is expected to result in an absent or disrupted protein product. Loss-of-function variants in ATM are known to be pathogenic (PMID: 23807571, 25614872). This variant is not present in population databases (gnomAD no frequency). This variant has not been reported in the literature in individuals affected with ATM-related conditions. Algorithms developed to predict the effect of sequence changes on RNA splicing suggest that this variant may disrupt the consensus splice site. For these reasons, this variant has been classified as Pathogenic.

Literature cited by the submitters: PubMed 23807571 (cited by Labcorp Genetics (formerly Invitae), Labcorp); PubMed 25614872 (cited by Labcorp Genetics (formerly Invitae), Labcorp).